The following is an entry in ClinVar:

ClinVar aggregate classification (germline): Uncertain significance (1 of 4 stars; one submission).

Allele frequency attached by ClinVar (database versions not stated): TOPMed below 0.00001.

Submission:

GeneDx
Classification: Uncertain significance. Last evaluated: 2021-10-12. Review status: criteria provided, single submitter. Criteria: GeneDx Variant Classification Process June 2021. Collection method: clinical testing. Allele origin: germline. Affected: yes.
Comment: Not observed at significant frequency in large population cohorts (gnomAD); In silico analysis supports that this missense variant does not alter protein structure/function; Has not been previously published as pathogenic or benign to our knowledge

NM_004369.4(COL6A3):c.3983T>C (p.Leu1328Pro)

Gene: COL6A3 (collagen type VI alpha 3 chain; minus strand). Cytogenetic location: 2q37.3.
Variant type: single nucleotide variant.
Coding change: c.3983T>C on transcript NM_004369.4 (MANE Select); coding-DNA position 3983, T replaced by C.
Protein change: p.Leu1328Pro; replaces leucine 1328 with proline.
Molecular consequence: missense variant.
Genome position (GRCh38, 1-based): chr2:237,372,034, A>G on the plus strand (T>C on the coding strand, the complement: COL6A3 is on the minus strand). VCF-style: chr2-237372034-A-G. GRCh37 (hg19) VCF-style: chr2-238280677-A-G.
Other names: c.2762T>C, p.Leu921Pro (NM_057164.5); c.3365T>C, p.Leu1122Pro (NM_057165.5, NM_057167.4); c.2162T>C, p.Leu721Pro (NM_057166.5); short protein forms L1122P, L1328P, L721P, L921P.
Identifiers: ClinVar variation 1676900 (VCV001676900.2), dbSNP rs1202069531, ClinGen allele CA351197660.